The following is an entry in ClinVar:

ClinVar aggregate classification (germline): Pathogenic. Review status: reviewed by expert panel (3 of 4 stars). 2 submissions from 2 submitters: Pathogenic (1). 1 of the submissions does not count toward it. Last evaluated 2019-04-09.

Conditions:
Phenylketonuria (PKU). Also called: Phenylketonuria (PKU); FOLLING DISEASE; OLIGOPHRENIA PHENYLPYRUVICA; Phenylketonurias. Identifiers: Orphanet 716, MedGen C0031485, MONDO:0009861, OMIM 261600. Disease mechanism: loss of function.

Submissions (2):

ClinGen PAH Variant Curation Expert Panel
Classification: Pathogenic for Phenylketonuria. Last evaluated: 2019-04-09. Review status: reviewed by expert panel. Criteria: ClinGen PAH ACMG Specifications v1. Collection method: curation. Allele origin: germline. Inheritance: Autosomal recessive inheritance.
Comment: The c.843-2A>T variant in PAH has been reported in 1 homozygote individual with classic PKU (PMID: 9452062). This variant disrupts the canonical splice acceptor site of intron 8 where LOF is a known mechanism of disease, exon skipping disrupts reading frame, and is predicted to undergo NMD. Coding exon 8 is present in biologically-relevant transcript. This variant is absent from population databases, including: 1000 Genomes, ESP, and gnomAD. In summary, this variant meets criteria to be classified as pathogenic for PAH. PAH-specific ACMG/AMP criteria applied: PVS1, PM2, PP4.

DeBelle Laboratory for Biochemical Genetics, MUHC/MCH RESEARCH INSTITUTE
No classification provided. Review status: no classification provided. Collection method: not provided. Allele origin: not provided. Not counted in ClinVar's aggregate classification.

NM_000277.3(PAH):c.843-2A>T

Genes: PAH (phenylalanine hydroxylase; minus strand), LOC126861615 (CDK7 strongly-dependent group 2 enhancer GRCh37_chr12:103244689-103245888; plus strand). Cytogenetic location: 12q23.2.
Variant type: single nucleotide variant.
Coding change: c.843-2A>T on transcript NM_000277.3 (MANE Select); the canonical splice acceptor site of the intron before coding-DNA position 843, A replaced by T.
Molecular consequence: splice acceptor variant.
Genome position (GRCh38, 1-based): chr12:102,851,758, T>A on the plus strand (A>T on the coding strand, the complement: PAH is on the minus strand). VCF-style: chr12-102851758-T-A. GRCh37 (hg19) VCF-style: chr12-103245536-T-A.
Other names: c.843-2A>T (NM_001354304.2).
Identifiers: ClinVar variation 102873 (VCV000102873.2), dbSNP rs62509019, ClinGen allele CA229816.